The following is an entry in ClinVar:

ClinVar aggregate classification (germline): Pathogenic. Review status: criteria provided, multiple submitters, no conflicts (2 of 4 stars). 3 submissions from 3 submitters: Pathogenic (2). 1 of the submissions does not count toward it. Last evaluated 2021-08-12.

Conditions:
Pulmonary hypertension, primary, 1 (PPH1). Also called: Pulmonary hypertension, familial primary, 1, with or without HHT. Identifiers: Orphanet 422, MedGen C4552070, MONDO:0024533, OMIM 178600.
Primary pulmonary hypertension. Also called: Idiopathic pulmonary hypertension. Identifiers: MedGen C0152171.

Submissions (3):

Labcorp Genetics (formerly Invitae), Labcorp
Classification: Pathogenic for Primary pulmonary hypertension. Last evaluated: 2021-08-12. Review status: criteria provided, single submitter. Criteria: Invitae Variant Classification Sherloc (09022015). Collection method: clinical testing. Allele origin: germline.
Comment: This premature translational stop signal has been observed in individuals with pulmonary arterial hypertension (PMID: 22632830, 26387786). This sequence change creates a premature translational stop signal (p.Trp13*) in the BMPR2 gene. It is expected to result in an absent or disrupted protein product. Loss-of-function variants in BMPR2 are known to be pathogenic (PMID: 16429395). This variant is not present in population databases (ExAC no frequency). ClinVar contains an entry for this variant (Variation ID: 425682). Algorithms developed to predict the effect of sequence changes on RNA splicing suggest that this variant may create or strengthen a splice site. For these reasons, this variant has been classified as Pathogenic.

ARUP Laboratories, Molecular Genetics and Genomics, ARUP Laboratories
Classification: Pathogenic. Last evaluated: 2020-02-02. Review status: criteria provided, single submitter. Criteria: ARUP Molecular Germline Variant Investigation Process. Collection method: clinical testing. Allele origin: germline.
Comment: The BMPR2 c.38G>A; p.Trp13Ter variant (rs1085307151) is reported in the literature in individuals affected with pulmonary arterial hypertension (Chida 2012, Machado 2015). This variant is also reported in ClinVar (Variation ID: 425682), but is absent from general population databases (Exome Variant Server, Genome Aggregation Database), indicating it is not a common polymorphism. This variant induces an early termination codon and is predicted to result in a truncated protein or mRNA subject to nonsense-mediated decay (NMD). Additionally, another variant at this codon (c.39G>A; p.Trp13Ter) has been reported in a family with pulmonary arterial hypertension and is considered pathogenic (Hamid 2010). In vitro functional analyses of the c.39G>A variant show that while the transcript does not undergo NMD, the variant results in a truncated protein missing the ligand binding domain and part of the transmembrane domain (Hamid 2010). Based on available information, the c.38G>A; p.Trp13Ter variant is considered to be pathogenic. References: Chida A et al. Outcomes of childhood pulmonary arterial hypertension in BMPR2 and ALK1 mutation carriers. Am J Cardiol. 2012 Aug 15;110(4):586-93. Hamid R et al. Transcripts from a novel BMPR2 termination mutation escape nonsense mediated decay by downstream translation re-initiation: implications for treating pulmonary hypertension. Clin Genet. 2010 Mar;77(3):280-6. Machado RD et al. Pulmonary Arterial Hypertension: A Current Perspective on Established and Emerging Molecular Genetic Defects. Hum Mutat. 2015 Dec;36(12):1113-27.

Rare Disease Genomics Group, St George's University of London
Classification: Pathogenic for Primary pulmonary hypertension. Review status: no assertion criteria provided. Collection method: literature only. Allele origin: germline. Affected: yes. Not counted in ClinVar's aggregate classification.

Literature cited by the submitters: PubMed 22632830 (cited by Labcorp Genetics (formerly Invitae), Labcorp and Rare Disease Genomics Group, St George's University of London); PubMed 26387786 (cited by Labcorp Genetics (formerly Invitae), Labcorp and Rare Disease Genomics Group, St George's University of London); PubMed 16429395 (cited by Labcorp Genetics (formerly Invitae), Labcorp).

NM_001204.7(BMPR2):c.38G>A (p.Trp13Ter)

Gene: BMPR2 (bone morphogenetic protein receptor type 2; plus strand). Cytogenetic location: 2q33.1.
Variant type: single nucleotide variant.
Coding change: c.38G>A on transcript NM_001204.7 (MANE Select); coding-DNA position 38, G replaced by A.
Protein change: p.Trp13Ter; replaces tryptophan 13 with a stop codon.
Molecular consequence: nonsense.
Genome position (GRCh38, 1-based): chr2:202,377,512, G>A. VCF-style: chr2-202377512-G-A. GRCh37 (hg19) VCF-style: chr2-203242235-G-A.
Other names: c.38G>A, p.W13* (LRG_712t1); short protein forms W13*.
Identifiers: ClinVar variation 425682 (VCV000425682.15), dbSNP rs1085307151, ClinGen allele CA350396647.